The following is an entry in ClinVar:

ClinVar aggregate classification (germline): Uncertain significance (1 of 4 stars; one submission).

Conditions:
Hereditary cancer-predisposing syndrome. Also called: Neoplastic Syndromes, Hereditary; Tumor predisposition; Hereditary neoplastic syndrome; Hereditary Cancer Syndrome. Identifiers: Orphanet 140162, MedGen C0027672, MeSH D009386, MONDO:0015356.
Cardiovascular phenotype. Identifiers: MedGen CN230736.

Submission:

Ambry Genetics
Classification: Uncertain significance for Cardiovascular phenotype; Hereditary cancer-predisposing syndrome. Last evaluated: 2024-02-01. Review status: criteria provided, single submitter. Criteria: Ambry Variant Classification Scheme 2023. Collection method: clinical testing. Allele origin: germline.
Comment: The p.P481A variant (also known as c.1441C>G), located in coding exon 13 of the NF1 gene, results from a C to G substitution at nucleotide position 1441. The proline at codon 481 is replaced by alanine, an amino acid with highly similar properties. This amino acid position is conserved. In addition, this alteration is predicted to be tolerated by in silico analysis. Based on the available evidence, the clinical significance of this alteration remains unclear.

NM_001042492.3(NF1):c.1441C>G (p.Pro481Ala)

Gene: NF1 (neurofibromin 1; plus strand). Cytogenetic location: 17q11.2.
Variant type: single nucleotide variant.
Coding change: c.1441C>G on transcript NM_001042492.3 (MANE Select); coding-DNA position 1441, C replaced by G.
Protein change: p.Pro481Ala; replaces proline 481 with alanine.
Molecular consequence: missense variant.
Genome position (GRCh38, 1-based): chr17:31,214,499, C>G. VCF-style: chr17-31214499-C-G. GRCh37 (hg19) VCF-style: chr17-29541517-C-G.
Other names: c.1441C>G, p.Pro481Ala (NM_000267.4, NM_001128147.3); short protein forms P481A.
Identifiers: ClinVar variation 3238257 (VCV003238257.1), dbSNP rs2143959240.